The following is an entry in ClinVar:

NM_001365951.3(KIF1B):c.3323G>A (p.Gly1108Asp)

Gene: KIF1B (kinesin family member 1B; plus strand). Cytogenetic location: 1p36.22.
Variant type: single nucleotide variant.
Coding change: c.3323G>A on transcript NM_001365951.3 (MANE Select); coding-DNA position 3323, G replaced by A.
Protein change: p.Gly1108Asp; replaces glycine 1108 with aspartic acid.
Molecular consequence: missense variant.
Genome position (GRCh38, 1-based): chr1:10,337,434, G>A. VCF-style: chr1-10337434-G-A. GRCh37 (hg19) VCF-style: chr1-10397492-G-A.
Other names: c.3323G>A, p.Gly1108Asp (NM_001365952.1); c.3185G>A, p.Gly1062Asp (NM_015074.3); short protein forms G1062D, G1108D.
Identifiers: ClinVar variation 2448702 (VCV002448702.3), dbSNP rs1652221049, ClinGen allele CA338340472.

ClinVar aggregate classification (germline): Uncertain significance (1 of 4 stars; one submission).

Allele frequency attached by ClinVar (database versions not stated): TOPMed below 0.00001.

Submission:

Ambry Genetics
Classification: Uncertain significance. Last evaluated: 2025-06-02. Review status: criteria provided, single submitter. Criteria: Ambry Variant Classification Scheme 2023. Collection method: clinical testing. Allele origin: germline.
Comment: The p.G1062D variant (also known as c.3185G>A), located in coding exon 28 of the KIF1B gene, results from a G to A substitution at nucleotide position 3185. The glycine at codon 1062 is replaced by aspartic acid, an amino acid with similar properties. This amino acid position is conserved. In addition, the in silico prediction for this alteration is inconclusive. Since supporting evidence is limited at this time, the clinical significance of this alteration remains unclear.